The following is an entry in ClinVar:

NM_000539.3(RHO):c.*1278G>T

Gene: RHO (rhodopsin; plus strand). Cytogenetic location: 3q22.1.
Variant type: single nucleotide variant.
Coding change: c.*1278G>T on transcript NM_000539.3 (MANE Select); 1278 bases downstream of the stop codon, G replaced by T.
Molecular consequence: 3 prime UTR variant.
Genome position (GRCh38, 1-based): chr3:129,534,996, G>T. VCF-style: chr3-129534996-G-T. GRCh37 (hg19) VCF-style: chr3-129253839-G-T.
Identifiers: ClinVar variation 899558 (VCV000899558.4), dbSNP rs113312341, ClinGen allele CA82621952.
Genomic context (GRCh38, chr3:129,534,996, plus strand): 5'-TCCAGTTTCCCTTGCCAGACAAGCCCATCTTCAGCAGTTGCTAGTCCATTCTCCATTCTG[G>T]AGAATCTGCTCCAAAAAGCTGGCCACATCTCTGAGGTGTCAGAATTAAGCTGCCTCAGTA-3'

ClinVar aggregate classification (germline): Benign. Review status: criteria provided, single submitter (1 of 4 stars). 2 submissions from 1 submitter: Benign (2). Last evaluated 2018-01-13.

Conditions:
Retinitis pigmentosa (RP). Identifiers: Orphanet 791, MedGen C0035334, MeSH D012174, MONDO:0019200, OMIM 268000. Inheritance: Autosomal dominant, autosomal recessive and X linked inheritance.
Congenital stationary night blindness autosomal dominant 1. Also called: NIGHT BLINDNESS, CONGENITAL STATIONARY, RHODOPSIN-RELATED. Identifiers: Orphanet 215, MedGen C1864869, MONDO:0012498, OMIM 610445.

Allele frequency attached by ClinVar (database versions not stated): 1000 Genomes Project 30x 0.00312; gnomAD 0.00327 and 0.00359; TOPMed 0.00345; 1000 Genomes Project 0.00359.

Submissions (2):

Illumina Laboratory Services, Illumina
Classification: Benign for Retinitis pigmentosa. Last evaluated: 2018-01-13. Review status: criteria provided, single submitter. Criteria: ICSL Variant Classification Criteria 13 December 2019. Collection method: clinical testing. Allele origin: germline.
Comment: This variant was observed in the ICSL laboratory as part of a predisposition screen in an ostensibly healthy population. It had not been previously curated by ICSL or reported in the Human Gene Mutation Database (HGMD: prior to June 1st, 2018), and was therefore a candidate for classification through an automated scoring system. Utilizing variant allele frequency, disease prevalence and penetrance estimates, and inheritance mode, an automated score was calculated to assess if this variant is too frequent to cause the disease. Based on the score and internal cut-off values, a variant classified as benign is not then subjected to further curation. The score for this variant resulted in a classification of benign for this disease.

Illumina Laboratory Services, Illumina
Classification: Benign for Congenital stationary night blindness autosomal dominant 1. Last evaluated: 2018-01-13. Review status: criteria provided, single submitter. Criteria: ICSL Variant Classification Criteria 13 December 2019. Collection method: clinical testing. Allele origin: germline.
Comment: the same text as in the submission from Illumina Laboratory Services, Illumina above.